The following is an entry in ClinVar:

ClinVar aggregate classification (germline): Uncertain significance (1 of 4 stars; one submission).

Conditions:
Hypercholesterolemia, autosomal dominant, 3 (FHCL3). Also called: Familial Hypercholesterolemia, Autosomal Dominant, 3; PCSK9-Related Familial Hypercholesterolemia, Autosomal Dominant; Familial hypercholesterolemia 3. Identifiers: MedGen C1863551, MONDO:0011369, OMIM 603776.

Allele frequency attached by ClinVar (database versions not stated): TOPMed below 0.00001.
gnomAD v4.1: 1 of 1,614,002 alleles (0.000062%); highest among the groups gnomAD compares: East Asian, 0.0022%; no homozygotes.

Submission:

All of Us Research Program, National Institutes of Health
Classification: Uncertain significance for Hypercholesterolemia, autosomal dominant, 3. Last evaluated: 2023-08-15. Review status: criteria provided, single submitter. Criteria: ACMG Guidelines, 2015. Collection method: clinical testing. Allele origin: germline. Inheritance: Autosomal dominant inheritance. Observed: 1 variant allele, 1 heterozygote.
Comment: This study involves interpretation of variants in research participants for the purpose of population health screening. Participant phenotype was not available at the time of variant classification. Additional details can be found in publication PMID: 35346344, PMCID: PMC8962531

NM_174936.4(PCSK9):c.1027G>A (p.Asp343Asn)

Gene: PCSK9 (proprotein convertase subtilisin/kexin type 9; plus strand). Cytogenetic location: 1p32.3.
Variant type: single nucleotide variant.
Coding change: c.1027G>A on transcript NM_174936.4 (MANE Select); coding-DNA position 1027, G replaced by A.
Protein change: p.Asp343Asn; replaces aspartic acid 343 with asparagine.
Molecular consequence: missense variant. On other transcripts: non-coding transcript variant (7).
Genome position (GRCh38, 1-based): chr1:55,057,361, G>A. VCF-style: chr1-55057361-G-A. GRCh37 (hg19) VCF-style: chr1-55523034-G-A.
Other names: c.1150G>A, p.Asp384Asn (NM_001407240.1); c.1027G>A, p.Asp343Asn (NM_001407241.1, NM_001407244.1, NM_001407247.1); c.1030G>A, p.Asp344Asn (NM_001407242.1); c.970G>A, p.Asp324Asn (NM_001407243.1); c.835G>A, p.Asp279Asn (NM_001407245.1); c.652G>A, p.Asp218Asn (NM_001407246.1); short protein forms D218N, D279N, D324N, D343N, D344N, D384N.
Identifiers: ClinVar variation 3072616 (VCV003072616.1), dbSNP rs762974799, ClinGen allele CA340476381.